The following is an entry in ClinVar:

NM_024675.4(PALB2):c.1300G>A (p.Asp434Asn)

Gene: PALB2 (partner and localizer of BRCA2; minus strand). Cytogenetic location: 16p12.2.
Variant type: single nucleotide variant.
Coding change: c.1300G>A on transcript NM_024675.4 (MANE Select); coding-DNA position 1300, G replaced by A.
Protein change: p.Asp434Asn; replaces aspartic acid 434 with asparagine.
Molecular consequence: missense variant. On other transcripts: intron variant (3).
Genome position (GRCh38, 1-based): chr16:23,635,246, C>T on the plus strand (G>A on the coding strand, the complement: PALB2 is on the minus strand). VCF-style: chr16-23635246-C-T. GRCh37 (hg19) VCF-style: chr16-23646567-C-T.
Other names: c.1240G>A, p.Asp414Asn (NM_001407296.1); c.1300G>A, p.Asp434Asn (NM_001407297.1, NM_001407298.1, NM_001407299.1 and 3 more transcripts); c.415G>A, p.Asp139Asn (NM_001407304.1, NM_001407305.1, NM_001407306.1 and 5 more transcripts); c.48+5864G>A (NM_001407314.1); c.-104-4777G>A (NM_001407313.1, NM_001407312.1); short protein forms D414N, D139N, D434N.
Identifiers: ClinVar variation 2567576 (VCV002567576.2), dbSNP rs2142420011, ClinGen allele CA395132457.
Genomic context (GRCh38, chr16:23,635,246, plus strand): 5'-AAAGGTTTAAATTTTTACTTGCATCCTTATTTTTATTTTTAAACCCTTTTTTCTTGACAT[C>T]CAAATGACTCTGAATGACAGCCTCCACGGCTACTTTCCTCTGGCAATTGGACATGCTTCG-3'
Protein context (NP_078951.2, residues 424-444): AVEAVIQSHL[Asp434Asn]VKKKGFKNKN

ClinVar aggregate classification (germline): Uncertain significance (1 of 4 stars; one submission).

Conditions:
Hereditary cancer-predisposing syndrome. Also called: Hereditary neoplastic syndrome; Hereditary Cancer Syndrome; Neoplastic Syndromes, Hereditary; Tumor predisposition. Identifiers: Orphanet 140162, MedGen C0027672, MeSH D009386, MONDO:0015356.

Submission:

Ambry Genetics
Classification: Uncertain significance for Hereditary cancer-predisposing syndrome. Last evaluated: 2023-05-09. Review status: criteria provided, single submitter. Criteria: Ambry Variant Classification Scheme 2023. Collection method: clinical testing. Allele origin: germline.
Comment: The p.D434N variant (also known as c.1300G>A), located in coding exon 4 of the PALB2 gene, results from a G to A substitution at nucleotide position 1300. The aspartic acid at codon 434 is replaced by asparagine, an amino acid with highly similar properties. This amino acid position is poorly conserved in available vertebrate species. In addition, this alteration is predicted to be tolerated by in silico analysis. Since supporting evidence is limited at this time, the clinical significance of this alteration remains unclear.